The following is an entry in ClinVar:

ClinVar aggregate classification (germline): Conflicting classifications of pathogenicity. Review status: criteria provided, conflicting classifications (1 of 4 stars). 2 submissions from 2 submitters: Uncertain significance (1); Likely benign (1). Last evaluated 2026-05-11.

gnomAD v4.1: 253 of 1,601,514 alleles (0.016%); highest among the groups gnomAD compares: Non-Finnish European, 0.021%; no homozygotes.

Submissions (2):

Women's Health and Genetics/Laboratory Corporation of America, LabCorp
Classification: Uncertain significance. Last evaluated: 2026-05-11. Review status: criteria provided, single submitter. Criteria: LabCorp Variant Classification Summary - May 2015. Collection method: clinical testing. Allele origin: germline.
Comment: Variant summary: TRDN c.*20A>G is located in the untranslated mRNA region downstream of the termination codon. The variant allele was found at a frequency of 2.5e-05 in 238502 control chromosomes. The available data on variant occurrences in the general population are insufficient to allow any conclusion about variant significance. To our knowledge, no occurrence of c.*20A>G in individuals affected with TRDN-related conditions and no experimental evidence demonstrating its impact on protein function have been reported. No submitters have cited clinical-significance assessments for this variant to ClinVar. Based on the evidence outlined above, the variant was classified as uncertain significance.

Blueprint Genetics
Classification: Likely benign. Last evaluated: 2022-08-11. Review status: criteria provided, single submitter. Criteria: ACMG Guidelines, 2015. Collection method: clinical testing. Allele origin: germline.

NM_006073.4(TRDN):c.*20A>G

Gene: TRDN (triadin; minus strand). Cytogenetic location: 6q22.31.
Variant type: single nucleotide variant.
Coding change: c.*20A>G on transcript NM_006073.4 (MANE Select); 20 bases downstream of the stop codon, A replaced by G.
Molecular consequence: 3 prime UTR variant.
Genome position (GRCh38, 1-based): chr6:123,218,581, T>C on the plus strand (A>G on the coding strand, the complement: TRDN is on the minus strand). VCF-style: chr6-123218581-T-C. GRCh37 (hg19) VCF-style: chr6-123539726-T-C.
Identifiers: ClinVar variation 4853333 (VCV004853333.2).